The following is an entry in ClinVar:

ClinVar aggregate classification (germline): Uncertain significance. Review status: criteria provided, multiple submitters, no conflicts (2 of 4 stars). 4 submissions from 4 submitters: Uncertain significance (4). Last evaluated 2025-10-15.

Conditions:
Congenital myasthenic syndrome 5. Identifiers: Orphanet 590, MedGen C1864233, MONDO:0011281, OMIM 603034.
Inborn genetic diseases. Identifiers: MedGen C0950123, MeSH D030342.

Allele frequency attached by ClinVar (database versions not stated): gnomAD below 0.00001 and 0.00001; ExAC 0.00002; gnomAD exomes 0.00002.
gnomAD v4.1: 31 of 1,614,094 alleles (0.0019%); highest among the groups gnomAD compares: South Asian, 0.03%; no homozygotes.

Submissions (4):

Ambry Genetics
Classification: Uncertain significance for Inborn genetic diseases. Last evaluated: 2025-10-15. Review status: criteria provided, single submitter. Criteria: Ambry Variant Classification Scheme 2023. Collection method: clinical testing. Allele origin: germline.

Revvity Omics, Revvity
Classification: Uncertain significance for Congenital myasthenic syndrome 5. Last evaluated: 2023-02-16. Review status: criteria provided, single submitter. Criteria: ACMG Guidelines, 2015. Collection method: clinical testing. Allele origin: germline.

Labcorp Genetics (formerly Invitae), Labcorp
Classification: Uncertain significance for Congenital myasthenic syndrome 5. Last evaluated: 2022-04-09. Review status: criteria provided, single submitter. Criteria: Invitae Variant Classification Sherloc (09022015). Collection method: clinical testing. Allele origin: germline.
Comment: In summary, the available evidence is currently insufficient to determine the role of this variant in disease. Therefore, it has been classified as a Variant of Uncertain Significance. Algorithms developed to predict the effect of missense changes on protein structure and function are either unavailable or do not agree on the potential impact of this missense change (SIFT: "Tolerated"; PolyPhen-2: "Not Available"; Align-GVGD: "Class C0"). ClinVar contains an entry for this variant (Variation ID: 343852). This variant has not been reported in the literature in individuals affected with COLQ-related conditions. This variant is present in population databases (rs750806839, gnomAD 0.02%). This sequence change replaces arginine, which is basic and polar, with lysine, which is basic and polar, at codon 130 of the COLQ protein (p.Arg130Lys).

Illumina Laboratory Services, Illumina
Classification: Uncertain significance for Congenital myasthenic syndrome 5. Last evaluated: 2018-01-13. Review status: criteria provided, single submitter. Criteria: ICSL Variant Classification Criteria 13 December 2019. Collection method: clinical testing. Allele origin: germline.

NM_005677.4(COLQ):c.389G>A (p.Arg130Lys)

Gene: COLQ (collagen like tail subunit of asymmetric acetylcholinesterase; minus strand). Cytogenetic location: 3p25.1.
Variant type: single nucleotide variant.
Coding change: c.389G>A on transcript NM_005677.4 (MANE Select); coding-DNA position 389, G replaced by A.
Protein change: p.Arg130Lys; replaces arginine 130 with lysine.
Molecular consequence: missense variant.
Genome position (GRCh38, 1-based): chr3:15,478,981, C>T on the plus strand (G>A on the coding strand, the complement: COLQ is on the minus strand). VCF-style: chr3-15478981-C-T. GRCh37 (hg19) VCF-style: chr3-15520488-C-T.
Other names: c.359G>A, p.Arg120Lys (NM_080538.2); c.287G>A, p.Arg96Lys (NM_080539.4); short protein forms R130K, R96K, R120K.
Identifiers: ClinVar variation 343852 (VCV000343852.12), dbSNP rs750806839, ClinGen allele CA2276202.